The following is an entry in ClinVar:

ClinVar aggregate classification (germline): Uncertain significance (1 of 4 stars; one submission).

Submission:

ISCA site 14
Classification: Uncertain significance. Last evaluated: 2011-08-12. Review status: criteria provided, single submitter. Criteria: Kaminsky et al. (Genet Med. 2011). Collection method: clinical testing. Allele origin: paternal. Affected: yes. Observed: 1 variant allele.
Comment: Copy number variation identified through the course of routine clinical cytogenomic testing in postnatal populations. Clinical assertions have been curated as described in Kaminsky et al. 2011.

GRCh38/hg38 1p32.2(chr1:57536618-58204064)x3

Genes: DAB1 (DAB adaptor protein 1; minus strand), DAB1-AS1 (DAB1 antisense RNA 1; plus strand), LOC122056887 (Sharpr-MPRA regulatory region 8485; plus strand), LOC129930610 (ATAC-STARR-seq lymphoblastoid active region 1081; plus strand), LOC129930611 (ATAC-STARR-seq lymphoblastoid active region 1082; plus strand). Cytogenetic location: 1p32.2.
Variant type: copy number gain.
Change: copy number 3 (three copies instead of two) of chr1:57,536,618-58,204,064 (667.4 kb, GRCh38 coordinates, 1-based), cytogenetic band 1p32.2.
Identifiers: ClinVar variation 57755 (VCV000057755.1).